The following is an entry in ClinVar:

NM_000051.4(ATM):c.6908A>C (p.Lys2303Thr)

Genes: C11orf65 (chromosome 11 open reading frame 65; minus strand), ATM (ATM serine/threonine kinase; plus strand). Cytogenetic location: 11q22.3.
Variant type: single nucleotide variant.
Coding change: c.6908A>C on transcript NM_000051.4 (MANE Select); coding-DNA position 6908, A replaced by C.
Protein change: p.Lys2303Thr; replaces lysine 2303 with threonine.
Molecular consequence: missense variant. On other transcripts: intron variant (2).
Genome position (GRCh38, 1-based): chr11:108,326,158, A>C. VCF-style: chr11-108326158-A-C. GRCh37 (hg19) VCF-style: chr11-108196885-A-C.
Other names: c.6908A>C, p.Lys2303Thr (NM_001351834.2); c.641-17087T>G (NM_001330368.2); c.*38+9062T>G (NM_001351110.2); short protein forms K2303T.
Identifiers: ClinVar variation 490680 (VCV000490680.11), dbSNP rs1064795166, ClinGen allele CA382557002.
Genomic context (GRCh38, chr11:108,326,158, plus strand): 5'-CAGTTAGCTGTGGAGTCTCTGAGTGGCAGCTGGAAGAAGCACAAGTATTCTGGGCAAAAA[A>C]GGAGCAGAGTCTTGCCCTGAGTATTCTCAAGCAAATGATCAAGAAGTTGGATGCCAGCTG-3'
Protein context (NP_000042.3, residues 2293-2313): LEEAQVFWAK[Lys2303Thr]EQSLALSILK

ClinVar aggregate classification (germline): Uncertain significance. Review status: criteria provided, multiple submitters, no conflicts (2 of 4 stars). 2 submissions from 2 submitters: Uncertain significance (2). Last evaluated 2023-12-05.

Conditions:
Hereditary cancer-predisposing syndrome. Also called: Neoplastic Syndromes, Hereditary; Hereditary Cancer Syndrome; Tumor predisposition; Hereditary neoplastic syndrome. Identifiers: Orphanet 140162, MedGen C0027672, MeSH D009386, MONDO:0015356.

Submissions (2):

Color Diagnostics, LLC DBA Color Health
Classification: Uncertain significance for Hereditary cancer-predisposing syndrome. Last evaluated: 2023-12-05. Review status: criteria provided, single submitter. Criteria: ACMG Guidelines, 2015. Collection method: clinical testing. Allele origin: germline.
Comment: This missense variant replaces lysine with threonine at codon 2303 of the ATM protein. Computational prediction suggests that this variant may not impact protein structure and function (internally defined REVEL score threshold <= 0.5, PMID: 27666373). To our knowledge, functional studies have not been reported for this variant. This variant has not been reported in individuals affected with ATM-related disorders in the literature. This variant has not been identified in the general population by the Genome Aggregation Database (gnomAD). The available evidence is insufficient to determine the role of this variant in disease conclusively. Therefore, this variant is classified as a Variant of Uncertain Significance.

Ambry Genetics
Classification: Uncertain significance for Hereditary cancer-predisposing syndrome. Last evaluated: 2021-08-30. Review status: criteria provided, single submitter. Criteria: Ambry Variant Classification Scheme 2023. Collection method: clinical testing. Allele origin: germline.
Comment: The p.K2303T variant (also known as c.6908A>C), located in coding exon 46 of the ATM gene, results from an A to C substitution at nucleotide position 6908. The lysine at codon 2303 is replaced by threonine, an amino acid with similar properties. This amino acid position is not well conserved in available vertebrate species. In addition, the in silico prediction for this alteration is inconclusive. Since supporting evidence is limited at this time, the clinical significance of this alteration remains unclear.